The following is an entry in ClinVar:

ClinVar aggregate classification (germline): Uncertain significance (1 of 4 stars; one submission).

Conditions:
Common variable immunodeficiency (CVID). Also called: Common variable hypogamma-globulinemia; Common variable agammaglobulinemia. Identifiers: Orphanet 1572, MedGen C0009447, MONDO:0015517.

Allele frequency attached by ClinVar (database versions not stated): gnomAD exomes below 0.00001.
gnomAD v4.1: 1 of 1,612,456 alleles (0.000062%); highest among the groups gnomAD compares: Non-Finnish European, 0.000085%; no homozygotes.

Submission:

Labcorp Genetics (formerly Invitae), Labcorp
Classification: Uncertain significance for Common variable immunodeficiency. Last evaluated: 2024-02-24. Review status: criteria provided, single submitter. Criteria: Invitae Variant Classification Sherloc (09022015). Collection method: clinical testing. Allele origin: germline.
Comment: This sequence change replaces alanine, which is neutral and non-polar, with valine, which is neutral and non-polar, at codon 188 of the TNFSF12 protein (p.Ala188Val). This variant is not present in population databases (gnomAD no frequency). This variant has not been reported in the literature in individuals affected with TNFSF12-related conditions. ClinVar contains an entry for this variant (Variation ID: 957988). An algorithm developed to predict the effect of missense changes on protein structure and function (PolyPhen-2) suggests that this variant is likely to be tolerated. In summary, the available evidence is currently insufficient to determine the role of this variant in disease. Therefore, it has been classified as a Variant of Uncertain Significance.

NM_003809.3(TNFSF12):c.563C>T (p.Ala188Val)

Genes: TNFSF12 (TNF superfamily member 12; plus strand), TNFSF12-TNFSF13 (TNFSF12-TNFSF13 readthrough; plus strand). Cytogenetic location: 17p13.1.
Variant type: single nucleotide variant.
Coding change: c.563C>T on transcript NM_003809.3 (MANE Select); coding-DNA position 563, C replaced by T.
Protein change: p.Ala188Val; replaces alanine 188 with valine.
Molecular consequence: missense variant. On other transcripts: non-coding transcript variant (1), intron variant (1).
Genome position (GRCh38, 1-based): chr17:7,557,163, C>T. VCF-style: chr17-7557163-C-T. GRCh37 (hg19) VCF-style: chr17-7460480-C-T.
Other names: c.498+261C>T (NM_172089.4); short protein forms A188V.
Identifiers: ClinVar variation 957988 (VCV000957988.10), dbSNP rs2071082084, ClinGen allele CA397863100.